The following is an entry in ClinVar:

ClinVar aggregate classification (germline): Uncertain significance (1 of 4 stars; one submission).

Conditions:
Hereditary cancer-predisposing syndrome. Also called: Neoplastic Syndromes, Hereditary; Tumor predisposition; Hereditary Cancer Syndrome; Hereditary neoplastic syndrome. Identifiers: Orphanet 140162, MedGen C0027672, MeSH D009386, MONDO:0015356.

Submission:

Ambry Genetics
Classification: Uncertain significance for Hereditary cancer-predisposing syndrome. Last evaluated: 2026-03-22. Review status: criteria provided, single submitter. Criteria: Ambry Variant Classification Scheme 2023. Collection method: clinical testing. Allele origin: germline.
Comment: The p.N49K variant (also known as c.147C>G), located in coding exon 3 of the SDHC gene, results from a C to G substitution at nucleotide position 147. The asparagine at codon 49 is replaced by lysine, an amino acid with similar properties. This amino acid position is conserved. In addition, the in silico prediction for this alteration is inconclusive. Based on the available evidence, the clinical significance of this variant remains unclear.

NM_003001.5(SDHC):c.147C>G (p.Asn49Lys)

Gene: SDHC (succinate dehydrogenase complex subunit C; plus strand). Cytogenetic location: 1q23.3.
Variant type: single nucleotide variant.
Coding change: c.147C>G on transcript NM_003001.5 (MANE Select); coding-DNA position 147, C replaced by G.
Protein change: p.Asn49Lys; replaces asparagine 49 with lysine.
Molecular consequence: missense variant. On other transcripts: non-coding transcript variant (1), intron variant (4).
Genome position (GRCh38, 1-based): chr1:161,328,465, C>G. VCF-style: chr1-161328465-C-G. GRCh37 (hg19) VCF-style: chr1-161298255-C-G.
Other names: c.77+4795C>G (NM_001035512.3, NM_001278172.3, NM_001407118.1); c.21-12129C>G (NM_001035513.3); c.147C>G, p.Asn49Lys (NM_001035511.3, NM_001407115.1); c.90C>G, p.Asn30Lys (NM_001407116.1, NM_001407117.1, NM_001407121.1); c.36C>G, p.Asn12Lys (NM_001407119.1, NM_001407120.1); short protein forms N12K, N30K, N49K.
Identifiers: ClinVar variation 4864274 (VCV004864274.1).